The following is an entry in ClinVar:

ClinVar aggregate classification (germline): Pathogenic (1 of 4 stars; one submission).

Submission:

Labcorp Genetics (formerly Invitae), Labcorp
Classification: Pathogenic. Last evaluated: 2023-10-22. Review status: criteria provided, single submitter. Criteria: Invitae Variant Classification Sherloc (09022015). Collection method: clinical testing. Allele origin: unknown.
Comment: A gross deletion of the genomic region encompassing the full coding sequence of the TALDO1 gene has been identified. Loss-of-function variants in TALDO1 are known to be pathogenic (PMID: 23315216, 26238251). The boundaries of this event are unknown as they extend beyond the assayed region for this gene and therefore may encompass additional genes. This variant has not been reported in the literature in individuals affected with TALDO1-related conditions. For these reasons, this variant has been classified as Pathogenic.

Literature cited by the submitters: PubMed 23315216; PubMed 26238251.

NC_000011.9:g.(?_747482)_(764845_?)del

Gene: TALDO1 (transaldolase 1; plus strand). Cytogenetic location: 11p15.5.
Variant type: Deletion.
Identifiers: ClinVar variation 3244767 (VCV003244767.1).